The following is an entry in ClinVar:

NM_000455.5(STK11):c.746C>T (p.Thr249Ile)

Gene: STK11 (serine/threonine kinase 11; plus strand). Cytogenetic location: 19p13.3.
Variant type: single nucleotide variant.
Coding change: c.746C>T on transcript NM_000455.5 (MANE Select); coding-DNA position 746, C replaced by T.
Protein change: p.Thr249Ile; replaces threonine 249 with isoleucine.
Molecular consequence: missense variant.
Genome position (GRCh38, 1-based): chr19:1,221,224, C>T. VCF-style: chr19-1221224-C-T. GRCh37 (hg19) VCF-style: chr19-1221223-C-T.
Other names: short protein forms T249I.
Identifiers: ClinVar variation 328231 (VCV000328231.28), dbSNP rs886054218, ClinGen allele CA10651500.
Genomic context (GRCh38, chr19:1,221,224, plus strand): 5'-TCAACCACCTTGACTGACCACGCCTTTCTTCCCTCCCCTCGAAATGAAGCTACAACATCA[C>T]CACGGGTCTGTACCCCTTCGAAGGGGACAACATCTACAAGTTGTTTGAGAACATCGGGAA-3'
Protein context (NP_000446.1, residues 239-259): WSAGVTLYNI[Thr249Ile]TGLYPFEGDN

ClinVar aggregate classification (germline): Uncertain significance. Review status: criteria provided, multiple submitters, no conflicts (2 of 4 stars). 5 submissions from 5 submitters: Uncertain significance (5). Last evaluated 2025-10-02.

Conditions:
Hereditary cancer-predisposing syndrome. Also called: Neoplastic Syndromes, Hereditary; Hereditary Cancer Syndrome; Hereditary neoplastic syndrome; Tumor predisposition. Identifiers: Orphanet 140162, MedGen C0027672, MeSH D009386, MONDO:0015356.
Peutz-Jeghers syndrome (PJS). Also called: POLYPOSIS, HAMARTOMATOUS INTESTINAL; POLYPS-AND-SPOTS SYNDROME; Peutz-Jeghers polyposis; Periorificial lentiginosis syndrome. Identifiers: Orphanet 2869, MedGen C0031269, MeSH D010580, MONDO:0008280, OMIM 175200.

Allele frequency attached by ClinVar (database versions not stated): gnomAD exomes below 0.00001; TOPMed below 0.00001.
gnomAD v4.1: 1 of 1,612,424 alleles (0.000062%); highest among the groups gnomAD compares: Non-Finnish European, 0.000085%; no homozygotes.

Submissions (5):

Ambry Genetics
Classification: Uncertain significance for Hereditary cancer-predisposing syndrome. Last evaluated: 2025-10-02. Review status: criteria provided, single submitter. Criteria: Ambry Variant Classification Scheme 2023. Collection method: clinical testing. Allele origin: germline.
Comment: The p.T249I variant (also known as c.746C>T), located in coding exon 6 of the STK11 gene, results from a C to T substitution at nucleotide position 746. The threonine at codon 249 is replaced by isoleucine, an amino acid with similar properties. This amino acid position is highly conserved in available vertebrate species. In addition, the in silico prediction for this alteration is inconclusive. Since supporting evidence is limited at this time, the clinical significance of this alteration remains unclear.

Labcorp Genetics (formerly Invitae), Labcorp
Classification: Uncertain significance for Peutz-Jeghers syndrome. Last evaluated: 2024-11-06. Review status: criteria provided, single submitter. Criteria: Invitae Variant Classification Sherloc (09022015). Collection method: clinical testing. Allele origin: germline.
Comment: This sequence change replaces threonine, which is neutral and polar, with isoleucine, which is neutral and non-polar, at codon 249 of the STK11 protein (p.Thr249Ile). This variant is not present in population databases (gnomAD no frequency). This variant has not been reported in the literature in individuals affected with STK11-related conditions. ClinVar contains an entry for this variant (Variation ID: 328231). Invitae Evidence Modeling of protein sequence and biophysical properties (such as structural, functional, and spatial information, amino acid conservation, physicochemical variation, residue mobility, and thermodynamic stability) has been performed for this missense variant. However, the output from this modeling did not meet the statistical confidence thresholds required to predict the impact of this variant on STK11 protein function. In summary, the available evidence is currently insufficient to determine the role of this variant in disease. Therefore, it has been classified as a Variant of Uncertain Significance.

Color Diagnostics, LLC DBA Color Health
Classification: Uncertain significance for Hereditary cancer-predisposing syndrome. Last evaluated: 2023-12-05. Review status: criteria provided, single submitter. Criteria: ACMG Guidelines, 2015. Collection method: clinical testing. Allele origin: germline.
Comment: This missense variant replaces threonine with isoleucine at codon 249 of the STK11 protein. Computational prediction is inconclusive regarding the impact of this variant on protein structure and function (internally defined REVEL score threshold 0.5 < inconclusive < 0.7, PMID: 27666373). To our knowledge, functional studies have not been reported for this variant. This variant has not been reported in individuals affected with STK11-related disorders in the literature. This variant has not been identified in the general population by the Genome Aggregation Database (gnomAD). The available evidence is insufficient to determine the role of this variant in disease conclusively. Therefore, this variant is classified as a Variant of Uncertain Significance.

Genome-Nilou Lab
Classification: Uncertain significance for Peutz-Jeghers syndrome. Last evaluated: 2021-07-15. Review status: criteria provided, single submitter. Criteria: ACMG Guidelines, 2015. Collection method: clinical testing. Allele origin: germline. Affected: no.

GeneDx
Classification: Uncertain significance. Last evaluated: 2020-02-27. Review status: criteria provided, single submitter. Criteria: GeneDx Variant Classification Process June 2021. Collection method: clinical testing. Allele origin: germline. Affected: yes.
Comment: Not observed in large population cohorts (Lek 2016); In silico analysis supports that this missense variant has a deleterious effect on protein structure/function; Has not been previously published as pathogenic or benign to our knowledge